The following is an entry in ClinVar:

NM_033517.1:c.2114C>G

Gene: SHANK3 (SH3 and multiple ankyrin repeat domains 3; plus strand).
Variant type: single nucleotide variant.
Other names: c.2114C>G (NM_033517.1).
Identifiers: ClinVar variation 4756070 (VCV004756070.1).

ClinVar aggregate classification (germline): Uncertain significance (1 of 4 stars; one submission).

Submission:

GeneDx
Classification: Uncertain significance. Last evaluated: 2025-08-09. Review status: criteria provided, single submitter. Criteria: GeneDx Variant Classification Process June 2021. Collection method: clinical testing. Allele origin: germline. Affected: yes.
Comment: Not observed at significant frequency in large population cohorts (gnomAD); Has not been previously published as pathogenic or benign to our knowledge; In silico analysis does not support a benign or deleterious effect of this variant on protein structure/function